The following is an entry in ClinVar:

NM_001126108.2(SLC12A3):c.35dup (p.Asp12fs)

Gene: SLC12A3 (solute carrier family 12 member 3; plus strand). Cytogenetic location: 16q13.
Variant type: Duplication.
Coding change: c.35dup on transcript NM_001126108.2 (MANE Select); coding-DNA position 35, one base duplicated (A; older notation c.35dupA).
Protein change: p.Asp12fs; shifts the reading frame from aspartic acid 12.
Molecular consequence: frameshift variant.
Genome position (GRCh38, 1-based): chr16:56,865,270, A duplicated. VCF-style (leftmost placement, unchanged base first): chr16-56865269-G-GA. GRCh37 (hg19) VCF-style: chr16-56899181-G-GA.
Other names: c.35dup, p.Asp12fs (NM_000339.3, NM_001126107.2); c.35dup (NM_000339.2); short protein forms D12fs.
Identifiers: ClinVar variation 975084 (VCV000975084.14), dbSNP rs1964322654, ClinGen allele CA1139664707.

ClinVar aggregate classification (germline): Pathogenic. Review status: criteria provided, multiple submitters, no conflicts (2 of 4 stars). 4 submissions from 4 submitters: Pathogenic (4). Last evaluated 2025-03-07.

Conditions:
Familial hypokalemia-hypomagnesemia (GTLMNS). Also called: POTASSIUM AND MAGNESIUM DEPLETION; HYPOMAGNESEMIA-HYPOKALEMIA, PRIMARY RENOTUBULAR, WITH HYPOCALCIURIA; gitelman syndrome. Identifiers: Orphanet 358, MedGen C0268450, MONDO:0009904, OMIM 263800.

Allele frequency attached by ClinVar (database versions not stated): gnomAD exomes below 0.00001.

Submissions (4):

Labcorp Genetics (formerly Invitae), Labcorp
Classification: Pathogenic. Last evaluated: 2025-03-07. Review status: criteria provided, single submitter. Criteria: Invitae Variant Classification Sherloc (09022015). Collection method: clinical testing. Allele origin: germline.
Comment: This sequence change creates a premature translational stop signal (p.Asp12Glufs*18) in the SLC12A3 gene. It is expected to result in an absent or disrupted protein product. Loss-of-function variants in SLC12A3 are known to be pathogenic (PMID: 20848653, 22009145, 25841442). This variant is not present in population databases (gnomAD no frequency). This premature translational stop signal has been observed in individual(s) with Gitelman syndrome (PMID: 26306968). This variant is also known as c.35_36insA. ClinVar contains an entry for this variant (Variation ID: 975084). For these reasons, this variant has been classified as Pathogenic.

Natera, Inc.
Classification: Pathogenic for Gitelman syndrome. Last evaluated: 2024-11-13. Review status: criteria provided, single submitter. Criteria: Natera Variant Classification Schema (03/2026). Collection method: clinical testing. Allele origin: germline.
Comment: The c.35dup variant in SLC12A3 is a frameshift variant predicted to shift the reading frame beginning at codon 12 and leads to a stop codon 18 codons downstream. This variant is expected to result in nonsense mediated decay, truncation, or a dysfunctional protein product. This variant is rare in the general population with a frequency below the threshold expected for the associated phenotype(s). This variant has been observed in one or more individuals affected with the associated recessive disease, as either homozygous or compound heterozygous with a second variant (PMID: 32939031). Given the available evidence, this variant is classified as Pathogenic.

Genome-Nilou Lab
Classification: Pathogenic for Familial hypokalemia-hypomagnesemia. Last evaluated: 2021-07-15. Review status: criteria provided, single submitter. Criteria: ACMG Guidelines, 2015. Collection method: clinical testing. Allele origin: germline. Affected: no.

Victorian Clinical Genetics Services, Murdoch Childrens Research Institute
Classification: Pathogenic for Familial hypokalemia-hypomagnesemia. Last evaluated: 2018-09-19. Review status: criteria provided, single submitter. Criteria: ACMG Guidelines, 2015. Collection method: clinical testing. Allele origin: unknown. Affected: yes.
Comment: A heterozygous frameshift insertion variant, NM_000339.2(SLC12A3):c.35dupA, has been identified in exon 1 of 26 of the SLC12A3 gene. This insertion is predicted to create a frameshift starting at amino acid position 12, introducing a stop codon 18 residues downstream (NP_000330.2(SLC12A3):p.(Asp12Glufs*18)). This variant is predicted to result in loss of protein function through nonsense-mediated decay, which is a reported mechanism of pathogenicity for this gene. However, truncation of the protein as a result of a NMD-escape mechanism has not been excluded. The variant is absent in population databases (gnomAD, dbSNP, 1000G), and has not been previously reported in clinical cases. However, a number of different LoF variants downstream have been reported as pathogenic (ClinVar). Based on the information available at the time of curation, this variant has been classified as PATHOGENIC.

Literature cited by the submitters: PubMed 20848653 (cited by Labcorp Genetics (formerly Invitae), Labcorp); PubMed 22009145 (cited by Labcorp Genetics (formerly Invitae), Labcorp); PubMed 25841442 (cited by Labcorp Genetics (formerly Invitae), Labcorp); PubMed 26306968 (cited by Labcorp Genetics (formerly Invitae), Labcorp); PubMed 32939031 (cited by Natera, Inc.).